The following is an entry in ClinVar:

NM_004656.4(BAP1):c.437+1G>T

Gene: BAP1 (BRCA1 associated deubiquitinase 1; minus strand). Cytogenetic location: 3p21.1.
Variant type: single nucleotide variant.
Coding change: c.437+1G>T on transcript NM_004656.4 (MANE Select); the canonical splice donor site of the intron after coding-DNA position 437, G replaced by T.
Molecular consequence: splice donor variant.
Genome position (GRCh38, 1-based): chr3:52,407,398, C>A on the plus strand (G>T on the coding strand, the complement: BAP1 is on the minus strand). VCF-style: chr3-52407398-C-A. GRCh37 (hg19) VCF-style: chr3-52441414-C-A.
Other names: c.437+1G>T (NM_001410772.1, NM_004656.2).
Identifiers: ClinVar variation 472701 (VCV000472701.14), dbSNP rs1553645838, ClinGen allele CA353110639.

ClinVar aggregate classification (germline): Pathogenic/Likely pathogenic. Review status: criteria provided, multiple submitters, no conflicts (2 of 4 stars). 4 submissions from 4 submitters: Pathogenic (2); Likely pathogenic (2). Last evaluated 2025-11-17.

Conditions:
BAP1-related tumor predisposition syndrome (TPDS1). Also called: BAP1 tumor predisposition syndrome; COMMON Syndrome; TUMOR PREDISPOSITION SYNDROME 1; Tumor susceptibility linked to germline BAP1 mutations. Identifiers: Orphanet 289539, MedGen C3280492, MONDO:0013692, OMIM 614327.
Hereditary cancer-predisposing syndrome. Also called: Neoplastic Syndromes, Hereditary; Tumor predisposition; Hereditary Cancer Syndrome; Hereditary neoplastic syndrome. Identifiers: Orphanet 140162, MedGen C0027672, MeSH D009386, MONDO:0015356.

Submissions (4):

Labcorp Genetics (formerly Invitae), Labcorp
Classification: Pathogenic for BAP1-related tumor predisposition syndrome. Last evaluated: 2025-11-17. Review status: criteria provided, single submitter. Criteria: Invitae Variant Classification Sherloc (09022015). Collection method: clinical testing. Allele origin: germline.
Comment: This sequence change affects a donor splice site in intron 6 of the BAP1 gene. It is expected to disrupt RNA splicing. Variants that disrupt the donor or acceptor splice site typically lead to a loss of protein function (PMID: 16199547), and loss-of-function variants in BAP1 are known to be pathogenic (PMID: 21874000, 23684012). This variant is not present in population databases (gnomAD no frequency). Disruption of this splice site has been observed in individuals with BAP1 related tumors (PMID: 23684012, 28560743, 30517737, 31382694). ClinVar contains an entry for this variant (Variation ID: 472701). Algorithms developed to predict the effect of sequence changes on RNA splicing suggest that this variant may disrupt the consensus splice site. For these reasons, this variant has been classified as Pathogenic.

Myriad Genetics, Inc.
Classification: Pathogenic for BAP1-related tumor predisposition syndrome. Last evaluated: 2025-09-26. Review status: criteria provided, single submitter. Criteria: Myriad Autosomal Dominant, Autosomal Recessive and X-Linked Classification Criteria (2023). Collection method: clinical testing. Allele origin: unknown.
Comment: This variant is considered pathogenic. This variant occurs within a consensus splice junction and is predicted to result in abnormal mRNA splicing of either an out-of-frame exon or an in-frame exon necessary for protein stability and/or normal function. Functional studies indicate this variant impacts protein function [PMID: 38969833]. This variant has been reported in multiple individuals with clinical features of gene-specific disease [PMID: 31887429, 31382694, 23684012, 28560743].

Ambry Genetics
Classification: Likely pathogenic for Hereditary cancer-predisposing syndrome. Last evaluated: 2024-06-04. Review status: criteria provided, single submitter. Criteria: Ambry Variant Classification Scheme 2023. Collection method: clinical testing. Allele origin: germline.
Comment: The c.437+1G>T intronic variant results from a G to T substitution one nucleotide after coding exon 6 of the BAP1 gene. This variant has been observed in multiple individuals with a personal and/or family history that is consistent with BAP1-related tumor predisposition syndrome (Chau C et al. Cancers (Basel), 2019 Aug;11; Guo R et al. J Thorac Oncol, 2020 Apr;15:655-660; Ambry internal data). This variant is considered to be rare based on population cohorts in the Genome Aggregation Database (gnomAD). This nucleotide position is highly conserved in available vertebrate species. In silico splice site analysis predicts that this alteration will weaken the native splice donor site. In addition to the clinical data presented in the literature, alterations that disrupt the canonical splice site are expected to cause aberrant splicing, resulting in an abnormal protein or a transcript that is subject to nonsense-mediated mRNA decay. As such, this alteration is classified as likely pathogenic.

Color Diagnostics, LLC DBA Color Health
Classification: Likely pathogenic for Hereditary cancer-predisposing syndrome. Last evaluated: 2020-04-21. Review status: criteria provided, single submitter. Criteria: ACMG Guidelines, 2015. Collection method: clinical testing. Allele origin: germline.
Comment: This variant causes a G to T nucleotide substitution at the +1 position of intron 6 of the BAP1 gene. Splice site prediction tools predict that this variant may have a significant impact on RNA splicing. Although this prediction has not been confirmed in published RNA studies, this variant is expected to result in an absent or disrupted protein product. To our knowledge, functional studies have not been reported for this variant. This variant has been reported in individuals affected with hepatocellular carcinoma, uveal melanoma, non-melanoma skin cancer, breast cancer and malignant mesothelioma (PMID: 31382694, 31887429). This variant has not been identified in the general population by the Genome Aggregation Database (gnomAD). Loss of BAP1 function is a known mechanism of disease. Based on the available evidence, this variant is classified as Likely Pathogenic.

Literature cited by the submitters: PubMed 16199547 (cited by Labcorp Genetics (formerly Invitae), Labcorp); PubMed 21874000 (cited by Labcorp Genetics (formerly Invitae), Labcorp); PubMed 23684012 (cited by Labcorp Genetics (formerly Invitae), Labcorp and Myriad Genetics, Inc.); PubMed 28560743 (cited by Labcorp Genetics (formerly Invitae), Labcorp and Myriad Genetics, Inc.); PubMed 30517737 (cited by Labcorp Genetics (formerly Invitae), Labcorp); PubMed 31382694 (cited by 3 submitters); PubMed 38969833 (cited by Myriad Genetics, Inc.); PubMed 31887429 (cited by Myriad Genetics, Inc. and Ambry Genetics).